The following is an entry in ClinVar:

NM_001005361.3(DNM2):c.2323A>C (p.Ile775Leu)

Gene: DNM2 (dynamin 2; plus strand). Cytogenetic location: 19p13.2.
Variant type: single nucleotide variant.
Coding change: c.2323A>C on transcript NM_001005361.3 (MANE Select); coding-DNA position 2323, A replaced by C.
Protein change: p.Ile775Leu; replaces isoleucine 775 with leucine.
Molecular consequence: missense variant.
Genome position (GRCh38, 1-based): chr19:10,830,158, A>C. VCF-style: chr19-10830158-A-C. GRCh37 (hg19) VCF-style: chr19-10940834-A-C.
Other names: c.2323A>C, p.Ile775Leu (NM_001005360.3, NM_001190716.2); c.2311A>C, p.Ile771Leu (NM_001005362.3, NM_004945.4); short protein forms I771L, I775L.
Identifiers: ClinVar variation 1522047 (VCV001522047.6), dbSNP rs773124483, ClinGen allele CA404043645.

ClinVar aggregate classification (germline): Uncertain significance (1 of 4 stars; one submission).

Conditions:
Charcot-Marie-Tooth disease dominant intermediate B (CMTDIB). Also called: CHARCOT-MARIE-TOOTH NEUROPATHY, DOMINANT INTERMEDIATE B; Charcot-Marie-Tooth disease dominant intermediate 1; CMT DI1; Charcot-Marie-Tooth disease dominant intermediate I. Identifiers: Orphanet 100044, Orphanet 228179, MedGen C1847902, MONDO:0011674, OMIM 606482.

gnomAD v4.1: 2 of 1,613,664 alleles (0.00012%); highest among the groups gnomAD compares: Non-Finnish European, 0.00017%; no homozygotes.

Submission:

Labcorp Genetics (formerly Invitae), Labcorp
Classification: Uncertain significance for Charcot-Marie-Tooth disease dominant intermediate B. Last evaluated: 2023-01-31. Review status: criteria provided, single submitter. Criteria: Invitae Variant Classification Sherloc (09022015). Collection method: clinical testing. Allele origin: germline.
Comment: In summary, the available evidence is currently insufficient to determine the role of this variant in disease. Therefore, it has been classified as a Variant of Uncertain Significance. Algorithms developed to predict the effect of missense changes on protein structure and function (SIFT, PolyPhen-2, Align-GVGD) all suggest that this variant is likely to be tolerated. ClinVar contains an entry for this variant (Variation ID: 1522047). This variant has not been reported in the literature in individuals affected with DNM2-related conditions. This variant is not present in population databases (gnomAD no frequency). This sequence change replaces isoleucine, which is neutral and non-polar, with leucine, which is neutral and non-polar, at codon 775 of the DNM2 protein (p.Ile775Leu).